The following is an entry in ClinVar:

NM_001759.4(CCND2):c.532C>T (p.Arg178Cys)

Gene: CCND2 (cyclin D2; plus strand). Cytogenetic location: 12p13.32.
Variant type: single nucleotide variant.
Coding change: c.532C>T on transcript NM_001759.4 (MANE Select); coding-DNA position 532, C replaced by T.
Protein change: p.Arg178Cys; replaces arginine 178 with cysteine.
Molecular consequence: missense variant.
Genome position (GRCh38, 1-based): chr12:4,278,880, C>T. VCF-style: chr12-4278880-C-T. GRCh37 (hg19) VCF-style: chr12-4388046-C-T.
Other names: short protein forms R178C.
Identifiers: ClinVar variation 2619766 (VCV002619766.23), dbSNP rs1488421614, ClinGen allele CA383662628.

ClinVar aggregate classification (germline): Uncertain significance. Review status: criteria provided, multiple submitters, no conflicts (2 of 4 stars). 2 submissions from 2 submitters: Uncertain significance (2). Last evaluated 2024-03-01.

Conditions:
Inborn genetic diseases. Identifiers: MedGen C0950123, MeSH D030342.

Allele frequency attached by ClinVar (database versions not stated): TOPMed below 0.00001; gnomAD exomes 0.00001.
gnomAD v4.1: 18 of 1,614,044 alleles (0.0011%); highest among the groups gnomAD compares: Non-Finnish European, 0.0015%; no homozygotes.

Submissions (2):

CeGaT Center for Human Genetics Tuebingen
Classification: Uncertain significance. Last evaluated: 2024-03-01. Review status: criteria provided, single submitter. Criteria: CeGaT Center For Human Genetics Tuebingen Variant Classification Criteria Version 2. Collection method: clinical testing. Allele origin: germline. Affected: yes. Observed: 1 variant allele.
Comment: CCND2: PM2

Ambry Genetics
Classification: Uncertain significance for Inborn genetic diseases. Last evaluated: 2023-08-21. Review status: criteria provided, single submitter. Criteria: Ambry Variant Classification Scheme 2023. Collection method: clinical testing. Allele origin: germline.